The following is an entry in ClinVar:

NM_000525.4(KCNJ11):c.-154G>T

Gene: KCNJ11 (potassium inwardly rectifying channel subfamily J member 11; minus strand). Cytogenetic location: 11p15.1.
Variant type: single nucleotide variant.
Coding change: c.-154G>T on transcript NM_000525.4 (MANE Select); 154 bases upstream of the start codon, G replaced by T.
Molecular consequence: 5 prime UTR variant. On other transcripts: intron variant (3).
Genome position (GRCh38, 1-based): chr11:17,388,245, C>A on the plus strand (G>T on the coding strand, the complement: KCNJ11 is on the minus strand). VCF-style: chr11-17388245-C-A. GRCh37 (hg19) VCF-style: chr11-17409792-C-A.
Other names: c.-16-399G>T (NM_001166290.2, NM_001377297.1); c.-75-169G>T (NM_001377296.1).
Identifiers: ClinVar variation 303740 (VCV000303740.6), dbSNP rs539975714, ClinGen allele CA10637946.
Genomic context (GRCh38, chr11:17,388,245, plus strand): 5'-CTTCTCACCCTGGGGCTGCACTCAGCCTGTGCTGGCCTCACTTCTGAGATAACTCCCCAC[C>A]AGACTCTTCCTTACCTCCACCTGGGTCCCACTTCACTTCTTAATACCAGCCTCAGGCCGG-3'

ClinVar aggregate classification (germline): Conflicting classifications of pathogenicity. Review status: criteria provided, conflicting classifications (1 of 4 stars). 3 submissions from 1 submitter: Uncertain significance (1); Benign (2). Last evaluated 2018-01-12.

Conditions:
Maturity-onset diabetes of the young type 13. Also called: MODY, TYPE 13. Identifiers: Orphanet 552, MedGen C4225365, MONDO:0014589, OMIM 616329.
Hyperinsulinemic hypoglycemia, familial, 2. Also called: HYPERINSULINEMIC HYPOGLYCEMIA, PERSISTENT; HYPERINSULINISM, NEONATAL. Identifiers: Orphanet 276580, Orphanet 276603, MedGen C2931833, MONDO:0011153, OMIM 601820. Disease mechanism: loss of function.
Diabetes mellitus, transient neonatal, 3 (TNDM3). Identifiers: Orphanet 99886, MedGen C1864623, MONDO:0012522, OMIM 610582. Disease mechanism: loss of function.

Allele frequency attached by ClinVar (database versions not stated): gnomAD 0.00026; TOPMed 0.00030; 1000 Genomes Project 0.00060; 1000 Genomes Project 30x 0.00062.
gnomAD v4.1: 190 of 660,044 alleles (0.029%); highest among the groups gnomAD compares: Admixed American, 0.052%; no homozygotes.

Submissions (3):

Illumina Laboratory Services, Illumina
Classification: Benign for Diabetes mellitus, transient neonatal, 3. Last evaluated: 2018-01-12. Review status: criteria provided, single submitter. Criteria: ICSL Variant Classification Criteria 13 December 2019. Collection method: clinical testing. Allele origin: germline.
Comment: This variant was observed in the ICSL laboratory as part of a predisposition screen in an ostensibly healthy population. It had not been previously curated by ICSL or reported in the Human Gene Mutation Database (HGMD: prior to June 1st, 2018), and was therefore a candidate for classification through an automated scoring system. Utilizing variant allele frequency, disease prevalence and penetrance estimates, and inheritance mode, an automated score was calculated to assess if this variant is too frequent to cause the disease. Based on the score and internal cut-off values, a variant classified as benign is not then subjected to further curation. The score for this variant resulted in a classification of benign for this disease.

Illumina Laboratory Services, Illumina
Classification: Uncertain significance for Hyperinsulinemic hypoglycemia, familial, 2. Last evaluated: 2018-01-12. Review status: criteria provided, single submitter. Criteria: ICSL Variant Classification Criteria 13 December 2019. Collection method: clinical testing. Allele origin: germline.

Illumina Laboratory Services, Illumina
Classification: Benign for Maturity-onset diabetes of the young type 13. Last evaluated: 2018-01-12. Review status: criteria provided, single submitter. Criteria: ICSL Variant Classification Criteria 13 December 2019. Collection method: clinical testing. Allele origin: germline.
Comment: the same text as in the submission from Illumina Laboratory Services, Illumina above.